The following is an entry in ClinVar:

NM_000218.3(KCNQ1):c.1394-5870G>T

Genes: KCNQ1 (potassium voltage-gated channel subfamily Q member 1; plus strand), KCNQ1OT1 (KCNQ1 opposite strand/antisense transcript 1; minus strand). Cytogenetic location: 11p15.5.
Variant type: single nucleotide variant.
Coding change: c.1394-5870G>T on transcript NM_000218.3 (MANE Select); 5870 bases into the intron before coding-DNA position 1394, G replaced by T.
Molecular consequence: intron variant. On other transcripts: non-coding transcript variant (1).
Genome position (GRCh38, 1-based): chr11:2,656,091, G>T. VCF-style: chr11-2656091-G-T. GRCh37 (hg19) VCF-style: chr11-2677321-G-T.
Other names: c.1124-5870G>T (NM_001406837.1); c.1298-5870G>T (NM_001406836.1); c.854-5870G>T (NM_001406838.1); c.1013-5870G>T (NM_181798.2).
Identifiers: ClinVar variation 3032066 (VCV003032066.2), dbSNP rs560125107, ClinGen allele CA216166596.
Genomic context (GRCh38, chr11:2,656,091, plus strand): 5'-AGGGGTCAGGTGGCTCACCCTTGGCCCTCAGGCTTTGGAGATGGGCACTTGTCATCATGG[G>T]TGTTTGGAAAGCAACTCTACGTTCTAGCCTGTGCTCCATCGTTCCTTCTACATACAAGTG-3'

ClinVar aggregate classification (germline): Likely benign (0 of 4 stars; one submission).

Conditions:
KCNQ1-related disorder. Also called: KCNQ1-related disorders; KCNQ1-related condition. Identifiers: MedGen CN239322.

Allele frequency attached by ClinVar (database versions not stated): gnomAD exomes 0.00008; 1000 Genomes Project 30x 0.00016; 1000 Genomes Project 0.00020; gnomAD 0.00053; TOPMed 0.00068.
gnomAD v4.1: 101 of 398,658 alleles (0.025%); highest among the groups gnomAD compares: African/African-American, 0.19%; no homozygotes.

Submission:

PreventionGenetics, part of Exact Sciences
Classification: Likely benign for KCNQ1-related condition. Last evaluated: 2023-01-03. Review status: no assertion criteria provided. Collection method: clinical testing. Allele origin: germline.
Comment: This variant is classified as likely benign based on ACMG/AMP sequence variant interpretation guidelines (Richards et al. 2015 PMID: 25741868, with internal and published modifications).